The following is an entry in ClinVar:

ClinVar aggregate classification (germline): Uncertain significance (1 of 4 stars; one submission).

Submission:

Labcorp Genetics (formerly Invitae), Labcorp
Classification: Uncertain significance. Last evaluated: 2024-03-26. Review status: criteria provided, single submitter. Criteria: Invitae Variant Classification Sherloc (09022015). Collection method: clinical testing. Allele origin: germline.
Comment: This sequence change replaces serine, which is neutral and polar, with tyrosine, which is neutral and polar, at codon 1965 of the NIN protein (p.Ser1965Tyr). The frequency data for this variant in the population databases is considered unreliable, as metrics indicate poor data quality at this position in the gnomAD database. This variant has not been reported in the literature in individuals affected with NIN-related conditions. An algorithm developed to predict the effect of missense changes on protein structure and function (PolyPhen-2) suggests that this variant is likely to be tolerated. In summary, the available evidence is currently insufficient to determine the role of this variant in disease. Therefore, it has been classified as a Variant of Uncertain Significance.

NM_020921.4(NIN):c.5894C>A (p.Ser1965Tyr)

Gene: NIN (ninein; minus strand). Cytogenetic location: 14q22.1.
Variant type: single nucleotide variant.
Coding change: c.5894C>A on transcript NM_020921.4 (MANE Select); coding-DNA position 5894, C replaced by A.
Protein change: p.Ser1965Tyr; replaces serine 1965 with tyrosine.
Molecular consequence: missense variant.
Genome position (GRCh38, 1-based): chr14:50,729,707, G>T on the plus strand (C>A on the coding strand, the complement: NIN is on the minus strand). VCF-style: chr14-50729707-G-T. GRCh37 (hg19) VCF-style: chr14-51196425-G-T.
Other names: c.3755C>A, p.Ser1252Tyr (NM_016350.5); c.5894C>A, p.Ser1965Tyr (NM_182944.3, NM_182946.2); short protein forms S1965Y, S1252Y.
Identifiers: ClinVar variation 3694171 (VCV003694171.2).